The following is an entry in ClinVar:

NM_001303052.2(MYT1L):c.2012C>A (p.Ser671Tyr)

Gene: MYT1L (myelin transcription factor 1 like; minus strand). Cytogenetic location: 2p25.3.
Variant type: single nucleotide variant.
Coding change: c.2012C>A on transcript NM_001303052.2 (MANE Select); coding-DNA position 2012, C replaced by A.
Protein change: p.Ser671Tyr; replaces serine 671 with tyrosine.
Molecular consequence: missense variant.
Genome position (GRCh38, 1-based): chr2:1,903,100, G>T on the plus strand (C>A on the coding strand, the complement: MYT1L is on the minus strand). VCF-style: chr2-1903100-G-T. GRCh37 (hg19) VCF-style: chr2-1906872-G-T.
Other names: c.2012C>A, p.Ser671Tyr (NM_001329844.2, NM_001329845.1, NM_001329851.3); c.2006C>A, p.Ser669Tyr (NM_001329846.3, NM_001329847.2, NM_001329848.1 and 3 more transcripts); short protein forms S669Y, S671Y.
Identifiers: ClinVar variation 1698315 (VCV001698315.2), dbSNP rs2148959044, ClinGen allele CA345698357.

ClinVar aggregate classification (germline): Uncertain significance (1 of 4 stars; one submission).

gnomAD v4.1: 1 of 1,613,712 alleles (0.000062%); highest among the groups gnomAD compares: Non-Finnish European, 0.000085%; no homozygotes.

Submission:

GeneDx
Classification: Uncertain significance. Last evaluated: 2022-01-21. Review status: criteria provided, single submitter. Criteria: GeneDx Variant Classification Process June 2021. Collection method: clinical testing. Allele origin: germline. Affected: yes.
Comment: Not observed at significant frequency in large population cohorts (gnomAD); In silico analysis supports that this missense variant has a deleterious effect on protein structure/function; Has not been previously published as pathogenic or benign to our knowledge